The following is an entry in ClinVar:

NM_000285.4(PEPD):c.863T>C (p.Ile288Thr)

Gene: PEPD (peptidase D; minus strand). Cytogenetic location: 19q13.11.
Variant type: single nucleotide variant.
Coding change: c.863T>C on transcript NM_000285.4 (MANE Select); coding-DNA position 863, T replaced by C.
Protein change: p.Ile288Thr; replaces isoleucine 288 with threonine.
Molecular consequence: missense variant.
Genome position (GRCh38, 1-based): chr19:33,401,825, A>G on the plus strand (T>C on the coding strand, the complement: PEPD is on the minus strand). VCF-style: chr19-33401825-A-G. GRCh37 (hg19) VCF-style: chr19-33892731-A-G.
Other names: p.Ile288Thr; c.740T>C, p.Ile247Thr (NM_001166056.2); c.671T>C, p.Ile224Thr (NM_001166057.2); short protein forms I247T, I288T, I224T.
Identifiers: ClinVar variation 781447 (VCV000781447.21), dbSNP rs139214756, ClinGen allele CA9364091.

ClinVar aggregate classification (germline): Benign. Review status: criteria provided, multiple submitters, no conflicts (2 of 4 stars). 7 submissions from 7 submitters: Benign (4). 3 of the submissions do not count toward it. Last evaluated 2026-01-31.

Conditions:
PEPD-related disorder. Also called: PEPD-related condition.
Prolidase deficiency. Identifiers: Orphanet 742, MedGen C0268532, MONDO:0008221, OMIM 170100.

Allele frequency attached by ClinVar (database versions not stated): gnomAD exomes 0.00063 and 0.00158; ExAC 0.00199; 1000 Genomes Project 30x 0.00328; 1000 Genomes Project 0.00339; gnomAD 0.00606 and 0.00669; ESP Exome Variant Server 0.00654; TOPMed 0.00716.
gnomAD v4.1: 1,901 of 1,613,242 alleles (0.12%); highest among the groups gnomAD compares: African/African-American, 2%; 21 homozygotes.

Submissions (7):

Labcorp Genetics (formerly Invitae), Labcorp
Classification: Benign. Last evaluated: 2026-01-31. Review status: criteria provided, single submitter. Criteria: Invitae Variant Classification Sherloc (09022015). Collection method: clinical testing. Allele origin: germline.

Mayo Clinic Laboratories, Mayo Clinic
Classification: Benign. Last evaluated: 2023-04-27. Review status: criteria provided, single submitter. Criteria: ACMG Guidelines, 2015. Collection method: clinical testing. Allele origin: germline. Observed: 7 variant alleles.
Comment: BA1, BS2, PP3

Illumina Laboratory Services, Illumina
Classification: Benign for Prolidase deficiency. Last evaluated: 2018-01-12. Review status: criteria provided, single submitter. Criteria: ICSL Variant Classification Criteria 13 December 2019. Collection method: clinical testing. Allele origin: germline.
Comment: This variant was observed in the ICSL laboratory as part of a predisposition screen in an ostensibly healthy population. It had not been previously curated by ICSL or reported in the Human Gene Mutation Database (HGMD: prior to June 1st, 2018), and was therefore a candidate for classification through an automated scoring system. Utilizing variant allele frequency, disease prevalence and penetrance estimates, and inheritance mode, an automated score was calculated to assess if this variant is too frequent to cause the disease. Based on the score and internal cut-off values, a variant classified as benign is not then subjected to further curation. The score for this variant resulted in a classification of benign for this disease.

Breakthrough Genomics
Classification: Benign. Review status: criteria provided, single submitter. Criteria: ACMG Guidelines, 2015. Collection method: not provided. Allele origin: germline. Inheritance: Autosomal recessive inheritance. Affected: yes.

PreventionGenetics, part of Exact Sciences
Classification: Benign for PEPD-related condition. Last evaluated: 2024-01-29. Review status: no assertion criteria provided. Collection method: clinical testing. Allele origin: germline. Not counted in ClinVar's aggregate classification.
Comment: This variant is classified as benign based on ACMG/AMP sequence variant interpretation guidelines (Richards et al. 2015 PMID: 25741868, with internal and published modifications).

Clinical Genetics DNA and cytogenetics Diagnostics Lab, Erasmus MC, Erasmus Medical Center
Classification: Benign. Review status: no assertion criteria provided. Collection method: clinical testing. Allele origin: germline. Affected: yes. Study: VKGL Data-share Consensus. Not counted in ClinVar's aggregate classification.

Clinical Genetics, Academic Medical Center
Classification: Benign. Review status: no assertion criteria provided. Collection method: clinical testing. Allele origin: germline. Affected: yes. Study: VKGL Data-share Consensus. Not counted in ClinVar's aggregate classification.